The following is an entry in ClinVar:

NM_207034.3(EDN3):c.366-8C>T

Gene: EDN3 (endothelin 3; plus strand). Cytogenetic location: 20q13.32.
Variant type: single nucleotide variant.
Coding change: c.366-8C>T on transcript NM_207034.3 (MANE Select); 8 bases into the intron before coding-DNA position 366, C replaced by T.
Molecular consequence: intron variant.
Genome position (GRCh38, 1-based): chr20:59,321,009, C>T. VCF-style: chr20-59321009-C-T. GRCh37 (hg19) VCF-style: chr20-57896064-C-T.
Other names: c.366-8C>T (NM_001424361.1, NM_001424363.1, NM_001424362.1 and 4 more transcripts).
Identifiers: ClinVar variation 4981326 (VCV004981326.1).

ClinVar aggregate classification (germline): Likely benign (1 of 4 stars; one submission).

Conditions:
EDN3-related disorder. Also called: EDN3-related condition.

gnomAD v4.1: 29 of 1,614,210 alleles (0.0018%); highest among the groups gnomAD compares: South Asian, 0.02%; no homozygotes.

Submission:

PreventionGenetics, part of Exact Sciences
Classification: Likely benign for EDN3-related condition. Last evaluated: 2026-02-22. Review status: criteria provided, single submitter. Criteria: ACMG Guidelines, 2015. Collection method: clinical testing. Allele origin: germline.
Comment: This variant is classified as likely benign based on ACMG/AMP sequence variant interpretation guidelines (Richards et al. 2015 PMID: 25741868, with internal and published modifications).